The following is an entry in ClinVar:

ClinVar aggregate classification (germline): Likely pathogenic (1 of 4 stars; one submission).

Conditions:
Bardet-Biedl syndrome 12 (BBS12). Identifiers: Orphanet 110, MedGen C1859570, MONDO:0014440, OMIM 615989.

Submission:

Natera, Inc.
Classification: Likely pathogenic for Bardet-Biedl syndrome type 12. Last evaluated: 2024-06-18. Review status: criteria provided, single submitter. Criteria: Natera Variant Classification Schema (03/2026). Collection method: clinical testing. Allele origin: germline.
Comment: The c.640_641insA variant in BBS12 is a frameshift variant predicted to shift the reading frame beginning at codon 214 and leads to a stop codon 22 codons downstream. This variant is expected to result in nonsense mediated decay, truncation, or a dysfunctional protein product. This variant is rare in the general population with a frequency below the threshold expected for the associated phenotype(s). Given the available evidence, this variant is classified as Likely Pathogenic.

NM_152618.3(BBS12):c.640_641insA (p.Arg214fs)

Gene: BBS12 (Bardet-Biedl syndrome 12; plus strand). Cytogenetic location: 4q27.
Variant type: Insertion.
Coding change: c.640_641insA on transcript NM_152618.3 (MANE Select); coding-DNA positions 640 to 641, A inserted.
Protein change: p.Arg214fs; shifts the reading frame from arginine 214.
Molecular consequence: frameshift variant.
Genome position: GRCh38 VCF-style: chr4-122742532-C-CA. GRCh37 (hg19) VCF-style: chr4-123663687-C-CA.
Other names: c.640_641insA, p.Arg214fs (NM_001178007.2); short protein forms R214fs.
Identifiers: ClinVar variation 4816890 (VCV004816890.1).